The following is an entry in ClinVar:

NC_000017.10:g.(?_42635057)_(42636754_?)dup

Gene: FZD2 (frizzled class receptor 2; plus strand). Cytogenetic location: 17q21.31.
Variant type: Duplication.
Identifiers: ClinVar variation 1410455 (VCV001410455.5).

ClinVar aggregate classification (germline): Uncertain significance (1 of 4 stars; one submission).

Submission:

Labcorp Genetics (formerly Invitae), Labcorp
Classification: Uncertain significance. Last evaluated: 2022-06-27. Review status: criteria provided, single submitter. Criteria: Invitae Variant Classification Sherloc (09022015). Collection method: clinical testing. Allele origin: germline.
Comment: In summary, the available evidence is currently insufficient to determine the role of this variant in disease. Therefore, it has been classified as a Variant of Uncertain Significance. A similar copy number variant has been observed in individual(s) with clinical features of Robinow syndrome (Invitae). A copy number gain of the genomic region encompassing the full coding sequence of the FZD2 gene has been identified. The boundaries of this event are unknown as they extend beyond the assayed region for this gene and therefore may encompass additional genes. As the precise location of this event is unknown, it may be in tandem or it may be located elsewhere in the genome.